The following is an entry in ClinVar:

ClinVar aggregate classification (germline): Uncertain significance. Review status: criteria provided, multiple submitters, no conflicts (2 of 4 stars). 2 submissions from 2 submitters: Uncertain significance (2). Last evaluated 2021-08-18.

Conditions:
Niemann-Pick disease, type C1. Also called: NEUROVISCERAL STORAGE DISEASE WITH VERTICAL SUPRANUCLEAR OPHTHALMOPLEGIA; NIEMANN-PICK DISEASE WITH CHOLESTEROL ESTERIFICATION BLOCK; NIEMANN-PICK DISEASE WITHOUT SPHINGOMYELINASE DEFICIENCY; NIEMANN-PICK DISEASE, CHRONIC NEURONOPATHIC FORM; NIEMANN-PICK DISEASE, VARIANT TYPE C1. Identifiers: Orphanet 646, MedGen C3179455, MONDO:0009757, OMIM 257220.

Allele frequency attached by ClinVar (database versions not stated): gnomAD 0.00001; gnomAD exomes 0.00002; ExAC 0.00004; ESP Exome Variant Server 0.00015.
gnomAD v4.1: 13 of 1,613,700 alleles (0.00081%); highest among the groups gnomAD compares: Non-Finnish European, 0.00076%; no homozygotes.

Submissions (2):

Labcorp Genetics (formerly Invitae), Labcorp
Classification: Uncertain significance for Niemann-Pick disease, type C1. Last evaluated: 2021-08-18. Review status: criteria provided, single submitter. Criteria: Invitae Variant Classification Sherloc (09022015). Collection method: clinical testing. Allele origin: germline.
Comment: This sequence change replaces alanine with threonine at codon 1018 of the NPC1 protein (p.Ala1018Thr). The alanine residue is moderately conserved and there is a small physicochemical difference between alanine and threonine. This variant is present in population databases (rs146666146, ExAC 0.008%). This variant has not been reported in the literature in individuals affected with NPC1-related conditions. ClinVar contains an entry for this variant (Variation ID: 890671). Advanced modeling of protein sequence and biophysical properties (such as structural, functional, and spatial information, amino acid conservation, physicochemical variation, residue mobility, and thermodynamic stability) performed at Invitae indicates that this missense variant is expected to disrupt NPC1 protein function. In summary, the available evidence is currently insufficient to determine the role of this variant in disease. Therefore, it has been classified as a Variant of Uncertain Significance.

Illumina Laboratory Services, Illumina
Classification: Uncertain significance for Niemann-Pick disease type C1. Last evaluated: 2018-01-13. Review status: criteria provided, single submitter. Criteria: ICSL Variant Classification Criteria 13 December 2019. Collection method: clinical testing. Allele origin: germline.

NM_000271.5(NPC1):c.3052G>A (p.Ala1018Thr)

Gene: NPC1 (NPC intracellular cholesterol transporter 1; minus strand). Cytogenetic location: 18q11.2.
Variant type: single nucleotide variant.
Coding change: c.3052G>A on transcript NM_000271.5 (MANE Select); coding-DNA position 3052, G replaced by A.
Protein change: p.Ala1018Thr; replaces alanine 1018 with threonine.
Molecular consequence: missense variant.
Genome position (GRCh38, 1-based): chr18:23,536,866, C>T on the plus strand (G>A on the coding strand, the complement: NPC1 is on the minus strand). VCF-style: chr18-23536866-C-T. GRCh37 (hg19) VCF-style: chr18-21116830-C-T.
Other names: short protein forms A1018T.
Identifiers: ClinVar variation 890671 (VCV000890671.5), dbSNP rs146666146, ClinGen allele CA8912863.